The following is an entry in ClinVar:

ClinVar aggregate classification (germline): Uncertain significance (1 of 4 stars; one submission).

Conditions:
Baller-Gerold syndrome (BGS). Also called: CRANIOSYNOSTOSIS WITH RADIAL DEFECTS. Identifiers: Orphanet 1225, MedGen C0265308, MONDO:0009039, OMIM 218600.

Allele frequency attached by ClinVar (database versions not stated): gnomAD exomes 0.00002 and 0.00003; ExAC 0.00003; TOPMed 0.00003; gnomAD 0.00008.
gnomAD v4.1: 37 of 1,602,090 alleles (0.0023%); highest among the groups gnomAD compares: African/African-American, 0.0067%; no homozygotes.

Submission:

Labcorp Genetics (formerly Invitae), Labcorp
Classification: Uncertain significance for Baller-Gerold syndrome. Last evaluated: 2024-08-24. Review status: criteria provided, single submitter. Criteria: Invitae Variant Classification Sherloc (09022015). Collection method: clinical testing. Allele origin: germline.
Comment: This sequence change replaces alanine, which is neutral and non-polar, with valine, which is neutral and non-polar, at codon 718 of the RECQL4 protein (p.Ala718Val). This variant is present in population databases (rs769675968, gnomAD 0.009%). This variant has not been reported in the literature in individuals affected with RECQL4-related conditions. ClinVar contains an entry for this variant (Variation ID: 406970). Invitae Evidence Modeling of protein sequence and biophysical properties (such as structural, functional, and spatial information, amino acid conservation, physicochemical variation, residue mobility, and thermodynamic stability) has been performed for this missense variant. However, the output from this modeling did not meet the statistical confidence thresholds required to predict the impact of this variant on RECQL4 protein function. In summary, the available evidence is currently insufficient to determine the role of this variant in disease. Therefore, it has been classified as a Variant of Uncertain Significance.

NM_004260.4(RECQL4):c.2153C>T (p.Ala718Val)

Gene: RECQL4 (RecQ like helicase 4; minus strand). Cytogenetic location: 8q24.3.
Variant type: single nucleotide variant.
Coding change: c.2153C>T on transcript NM_004260.4 (MANE Select); coding-DNA position 2153, C replaced by T.
Protein change: p.Ala718Val; replaces alanine 718 with valine.
Molecular consequence: missense variant.
Genome position (GRCh38, 1-based): chr8:144,513,618, G>A on the plus strand (C>T on the coding strand, the complement: RECQL4 is on the minus strand). VCF-style: chr8-144513618-G-A. GRCh37 (hg19) VCF-style: chr8-145739002-G-A.
Other names: short protein forms A718V.
Identifiers: ClinVar variation 406970 (VCV000406970.7), dbSNP rs769675968, ClinGen allele CA4948442.
Genomic context (GRCh38, chr8:144,513,618, plus strand): 5'-GTCCATGCCGCACCTCCAGACCCTGGGACCCAGGCTGCGTGCAGGCAGGTTCGGAGGAGC[G>A]CAGCGATCCGCTCTGTGTCCTCGCGCCGGTTGCAGTAAATGATAATGGAATCGAGGTTTT-3'
Protein context (NP_004251.4, residues 708-728): NRREDTERIA[Ala718Val]LLRTCLHAAW